The following is an entry in ClinVar:

NM_030624.3(KLHL15):c.1052G>A (p.Arg351Lys)

Gene: KLHL15 (kelch like family member 15; minus strand). Cytogenetic location: Xp22.11.
Variant type: single nucleotide variant.
Coding change: c.1052G>A on transcript NM_030624.3 (MANE Select); coding-DNA position 1052, G replaced by A.
Protein change: p.Arg351Lys; replaces arginine 351 with lysine.
Molecular consequence: missense variant.
Genome position (GRCh38, 1-based): chrX:23,988,684, C>T on the plus strand (G>A on the coding strand, the complement: KLHL15 is on the minus strand). VCF-style: chrX-23988684-C-T. GRCh37 (hg19) VCF-style: chrX-24006801-C-T.
Other names: short protein forms R351K.
Identifiers: ClinVar variation 4993140 (VCV004993140.1).

ClinVar aggregate classification (germline): Uncertain significance (1 of 4 stars; one submission).

Conditions:
KLHL15-related disorder. Also called: KLHL15-related condition.

Submission:

PreventionGenetics, part of Exact Sciences
Classification: Uncertain significance for KLHL15-related condition. Last evaluated: 2026-04-20. Review status: criteria provided, single submitter. Criteria: ACMG Guidelines, 2015. Collection method: clinical testing. Allele origin: germline.
Comment: The KLHL15 c.1052G>A variant is predicted to result in the amino acid substitution p.Arg351Lys. To our knowledge, this variant has not been reported in the literature or in a large population database (gnomAD), indicating this variant is rare. At this time, the clinical significance of this variant is uncertain due to the absence of conclusive functional and genetic evidence.